The following is an entry in ClinVar:

NM_016306.6(DNAJB11):c.425T>A (p.Leu142Ter)

Gene: DNAJB11 (DnaJ heat shock protein family (Hsp40) member B11; plus strand). Cytogenetic location: 3q27.3.
Variant type: single nucleotide variant.
Coding change: c.425T>A on transcript NM_016306.6 (MANE Select); coding-DNA position 425, T replaced by A.
Protein change: p.Leu142Ter; replaces leucine 142 with a stop codon.
Molecular consequence: nonsense. On other transcripts: non-coding transcript variant (5), intron variant (1).
Genome position (GRCh38, 1-based): chr3:186,577,769, T>A. VCF-style: chr3-186577769-T-A. GRCh37 (hg19) VCF-style: chr3-186295558-T-A.
Other names: c.323+1832T>A (NM_001378451.1); short protein forms L142*.
Identifiers: ClinVar variation 4818746 (VCV004818746.1).

ClinVar aggregate classification (germline): Pathogenic (1 of 4 stars; one submission).

Conditions:
Autosomal dominant polycystic kidney disease. Identifiers: Orphanet 730, MedGen C0085413, MONDO:0004691.

Submission:

Mayo Translational Polycystic Kidney Disease Center, Mayo Clinic
Classification: Pathogenic for Autosomal dominant polycystic kidney disease. Last evaluated: 2026-01-30. Review status: criteria provided, single submitter. Criteria: ACMG Guidelines, 2015. Collection method: research. Allele origin: germline. Inheritance: Autosomal dominant inheritance. Affected: yes.
Comment: The c.425T>A variant in the DNAJB11 gene results in a premature stop codon at position 142 (p.Leu142Ter), predicted to produce a truncated protein lacking essential functional domains. This type of nonsense mutation is expected to lead to loss of function via production of a non-functional protein, meeting the PVS1 criterion. The variant is absent in gnomAD v4.1.0, fulfilling PM2. Loss-of-function mutations in DNAJB11 are a known mechanism of disease, particularly associated with atypical autosomal dominant polycystic kidney disease. This specific variant has been reported in individuals with kidney and/or liver cystic disease (PMIDs: 32631624), providing supporting evidence for PP4 based on phenotype–genotype consistency. Based on the nature of the mutation, its rarity, established disease mechanism, and supporting clinical reports, this variant is best classified as pathogenic.

Literature cited by the submitters: PubMed 32631624.